The following is an entry in ClinVar:

ClinVar aggregate classification (germline): Uncertain significance (1 of 4 stars; one submission).

Conditions:
Developmental and epileptic encephalopathy, 2 (DEE2). Also called: INFANTILE SPASM SYNDROME, X-LINKED 2; CDKL5 deficiency disorder. Identifiers: Orphanet 1934, Orphanet 3451, Orphanet 505652, MedGen C4750718, MONDO:0010396, OMIM 300672.

Submission:

3billion
Classification: Uncertain significance for Developmental and epileptic encephalopathy, 2. Last evaluated: 2025-06-23. Review status: criteria provided, single submitter. Criteria: ACMG Guidelines, 2015. Collection method: clinical testing. Allele origin: germline. Affected: yes.
Comment: The variant is not observed in the gnomAD v4.1.0 dataset. Predicted Consequence/Location: Synonymous variant In silico tools predict the variant to alter splicing and produce an abnormal transcript [SpliceAI: 0.30 (>=0.2, moderate evidence for spliceogenicity)]. Therefore, this variant is classified as VUS according to the recommendation of ACMG/AMP guideline.

NM_001323289.2(CDKL5):c.144A>G (p.Glu48=)

Gene: CDKL5 (cyclin dependent kinase like 5; plus strand). Cytogenetic location: Xp22.13.
Variant type: single nucleotide variant.
Coding change: c.144A>G on transcript NM_001323289.2 (MANE Select); coding-DNA position 144, A replaced by G.
Protein change: p.Glu48=; no amino-acid change (glutamic acid 48 retained).
Molecular consequence: synonymous variant.
Genome position (GRCh38, 1-based): chrX:18,564,521, A>G. VCF-style: chrX-18564521-A-G. GRCh37 (hg19) VCF-style: chrX-18582641-A-G.
Other names: c.144A>G, p.Glu48= (NM_001037343.2, NM_003159.3).
Identifiers: ClinVar variation 4855316 (VCV004855316.1).